The following is an entry in ClinVar:

ClinVar aggregate classification (germline): Uncertain significance. Review status: criteria provided, multiple submitters, no conflicts (2 of 4 stars). 2 submissions from 2 submitters: Uncertain significance (2). Last evaluated 2026-01-06.

Conditions:
Adams-Oliver syndrome 5 (AOS5). Identifiers: Orphanet 974, MedGen C4014970, MONDO:0014459, OMIM 616028.
Familial thoracic aortic aneurysm and aortic dissection (TAAD). Also called: Thoracic aortic aneurysms and dissections. Identifiers: Orphanet 91387, MedGen C4707243, MONDO:0019625.

Allele frequency attached by ClinVar (database versions not stated): gnomAD exomes below 0.00001 and 0.00001; ExAC 0.00001; gnomAD 0.00001.
gnomAD v4.1: 10 of 1,613,582 alleles (0.00062%); highest among the groups gnomAD compares: East Asian, 0.0022%; no homozygotes.

Submissions (2):

Ambry Genetics
Classification: Uncertain significance for Familial thoracic aortic aneurysm and aortic dissection. Last evaluated: 2026-01-06. Review status: criteria provided, single submitter. Criteria: Ambry Variant Classification Scheme 2023. Collection method: clinical testing. Allele origin: germline.
Comment: The p.N2040S variant (also known as c.6119A>G), located in coding exon 33 of the NOTCH1 gene, results from an A to G substitution at nucleotide position 6119. The asparagine at codon 2040 is replaced by serine, an amino acid with highly similar properties. This amino acid position is highly conserved in available vertebrate species. In addition, this alteration is predicted to be tolerated by in silico analysis. Based on the available evidence, the clinical significance of this variant remains unclear.

Labcorp Genetics (formerly Invitae), Labcorp
Classification: Uncertain significance for Adams-Oliver syndrome 5. Last evaluated: 2025-10-09. Review status: criteria provided, single submitter. Criteria: Invitae Variant Classification Sherloc (09022015). Collection method: clinical testing. Allele origin: germline.
Comment: This sequence change replaces asparagine, which is neutral and polar, with serine, which is neutral and polar, at codon 2040 of the NOTCH1 protein (p.Asn2040Ser). This variant is present in population databases (rs780257585, gnomAD 0.0009%). This variant has not been reported in the literature in individuals affected with NOTCH1-related conditions. ClinVar contains an entry for this variant (Variation ID: 1496631). Invitae Evidence Modeling of protein sequence and biophysical properties (such as structural, functional, and spatial information, amino acid conservation, physicochemical variation, residue mobility, and thermodynamic stability) has been performed for this missense variant. However, the output from this modeling did not meet the statistical confidence thresholds required to predict the impact of this variant on NOTCH1 protein function. In summary, the available evidence is currently insufficient to determine the role of this variant in disease. Therefore, it has been classified as a Variant of Uncertain Significance.

NM_017617.5(NOTCH1):c.6119A>G (p.Asn2040Ser)

Genes: NOTCH1 (notch receptor 1; minus strand), LOC126860794 (BRD4-independent group 4 enhancer GRCh37_chr9:139392592-139393791; plus strand). Cytogenetic location: 9q34.3.
Variant type: single nucleotide variant.
Coding change: c.6119A>G on transcript NM_017617.5 (MANE Select); coding-DNA position 6119, A replaced by G.
Protein change: p.Asn2040Ser; replaces asparagine 2040 with serine.
Molecular consequence: missense variant.
Genome position (GRCh38, 1-based): chr9:136,498,960, T>C on the plus strand (A>G on the coding strand, the complement: NOTCH1 is on the minus strand). VCF-style: chr9-136498960-T-C. GRCh37 (hg19) VCF-style: chr9-139393412-T-C.
Other names: c.6119A>G (NM_017617.3); short protein forms N2040S.
Identifiers: ClinVar variation 1496631 (VCV001496631.9), dbSNP rs780257585, ClinGen allele CA5340015.